The following is an entry in ClinVar:

NM_000785.4(CYP27B1):c.48_60del (p.Glu20fs)

Gene: CYP27B1 (cytochrome P450 family 27 subfamily B member 1; minus strand). Cytogenetic location: 12q14.1.
Variant type: Deletion.
Coding change: c.48_60del on transcript NM_000785.4 (MANE Select); coding-DNA positions 48 to 60, 13 bases deleted (CTGGGCGCCCGAG).
Protein change: p.Glu20fs; shifts the reading frame from glutamic acid 20.
Molecular consequence: frameshift variant.
Genome position (GRCh38, 1-based): chr12:57,766,982-57,766,994, CTCGGGCGCCCAG deleted on the plus strand (CTGGGCGCCCGAG on the coding strand, the reverse complement: CYP27B1 is on the minus strand); deleting any 13 consecutive bases within chr12:57,766,982-57,766,995 gives the same sequence; the c. name uses the placement nearest the transcript's 3' end. VCF-style (leftmost placement, unchanged base first): chr12-57766981-ACTCGGGCGCCCAG-A. GRCh37 (hg19) VCF-style: chr12-58160764-ACTCGGGCGCCCAG-A.
Other names: short protein forms E20fs.
Identifiers: ClinVar variation 3367183 (VCV003367183.1).

ClinVar aggregate classification (germline): Pathogenic (1 of 4 stars; one submission).

Conditions:
Vitamin D-dependent rickets, type 1A. Also called: VITAMIN D HYDROXYLATION-DEFICIENT RICKETS, TYPE 1A; PDDR IA; PSEUDOVITAMIN D-DEFICIENCY RICKETS, TYPE IA. Identifiers: MedGen CN283242, MONDO:0020723, OMIM 264700.

Submission:

Diagnostics Services (NGS), CSIR - Centre For Cellular And Molecular Biology
Classification: Pathogenic for Vitamin D-dependent rickets, type 1A. Last evaluated: 2024-10-04. Review status: criteria provided, single submitter. Criteria: ACMG Guidelines, 2015. Collection method: clinical testing. Allele origin: germline. Affected: yes. Observed: 1 variant allele, 1 homozygote.
Comment: The c.48_60del variant is not present in publicly available population databases like 1000 Genomes, EVS, ExAC, gnomAD, Indian Exome Database or our in-house exome database. This variant has been previously observed in individuals affected with CYP27B1-related conditions [PMID: 22588163; 31261480; 30382318; 36405822] and reported to the Human Genome Mutation Database (HGMD ID: CD126953). In-silico pathogenicity prediction programs like MutationTaster2, CADD, Varsome, Franklin etc predicted this variant to be likely deleterious. This variant causes frameshift at the 20th amino acid position of the wild-type transcript which creates a premature translational stop signal at the altered transcript that may either result in translation of a truncated protein or cause nonsense mediated decay of the mRNA.

Literature cited by the submitters: PubMed 22588163; PubMed 31261480; PubMed 30382318; PubMed 36405822.